The following is an entry in ClinVar:

ClinVar aggregate classification (germline): Uncertain significance (1 of 4 stars; one submission).

Conditions:
Hereditary cancer-predisposing syndrome. Also called: Neoplastic Syndromes, Hereditary; Tumor predisposition; Hereditary Cancer Syndrome; Hereditary neoplastic syndrome. Identifiers: Orphanet 140162, MedGen C0027672, MeSH D009386, MONDO:0015356.

Submission:

Ambry Genetics
Classification: Uncertain significance for Hereditary cancer-predisposing syndrome. Last evaluated: 2026-07-31. Review status: criteria provided, single submitter. Criteria: Ambry Variant Classification Scheme 2023. Collection method: clinical testing. Allele origin: germline.
Comment: The c.1299A>G variant (also known as p.S433S), located in coding exon 8 of the FLCN gene, results from an A to G substitution at nucleotide position 1299. This nucleotide substitution does not change the amino acid at codon 433. This nucleotide position is not well conserved in available vertebrate species. In silico splice site analysis predicts that this alteration will not have any significant effect on splicing. However, RNA studies have demonstrated that this variant results in a splice defect; the clinical impact of this abnormal splicing is unknown at this time (Ambry internal data). Based on the available evidence, the clinical significance of this variant remains unclear.

NM_144997.7(FLCN):c.1299A>G (p.Ser433=)

Gene: FLCN (folliculin; minus strand). Cytogenetic location: 17p11.2.
Variant type: single nucleotide variant.
Coding change: c.1299A>G on transcript NM_144997.7 (MANE Select); coding-DNA position 1299, A replaced by G.
Protein change: p.Ser433=; no amino-acid change (serine 433 retained).
Molecular consequence: synonymous variant.
Genome position (GRCh38, 1-based): chr17:17,216,381, T>C on the plus strand (A>G on the coding strand, the complement: FLCN is on the minus strand). VCF-style: chr17-17216381-T-C. GRCh37 (hg19) VCF-style: chr17-17119695-T-C.
Other names: c.1353A>G, p.Ser451= (NM_001353229.2); c.1299A>G, p.Ser433= (NM_001353230.2, NM_001353231.2).
Identifiers: ClinVar variation 4871375 (VCV004871375.2).